The following is an entry in ClinVar:

ClinVar aggregate classification (germline): Likely benign. Review status: criteria provided, multiple submitters, no conflicts (2 of 4 stars). 2 submissions from 2 submitters: Likely benign (2). Last evaluated 2025-09-03.

Conditions:
CREBBP-related disorder. Also called: CREBBP-related condition; CREBBP-related disorders.
Rubinstein-Taybi syndrome (RSTS). Identifiers: Orphanet 783, MedGen C0035934, MONDO:0019188.

Allele frequency attached by ClinVar (database versions not stated): gnomAD exomes below 0.00001; ExAC 0.00001; TOPMed 0.00002.
gnomAD v4.1: 4 of 1,614,052 alleles (0.00025%); highest among the groups gnomAD compares: Admixed American, 0.0017%; no homozygotes.

Submissions (2):

PreventionGenetics, part of Exact Sciences
Classification: Likely benign for CREBBP-related condition. Last evaluated: 2025-09-03. Review status: criteria provided, single submitter. Criteria: ACMG Guidelines, 2015. Collection method: clinical testing. Allele origin: germline.
Comment: This variant is classified as likely benign based on ACMG/AMP sequence variant interpretation guidelines (Richards et al. 2015 PMID: 25741868, with internal and published modifications).

Labcorp Genetics (formerly Invitae), Labcorp
Classification: Likely benign for Rubinstein-Taybi syndrome. Last evaluated: 2023-12-13. Review status: criteria provided, single submitter. Criteria: Invitae Variant Classification Sherloc (09022015). Collection method: clinical testing. Allele origin: germline.

NM_004380.3(CREBBP):c.4452C>T (p.Phe1484=)

Gene: CREBBP (CREB binding lysine acetyltransferase; minus strand). Cytogenetic location: 16p13.3.
Variant type: single nucleotide variant.
Coding change: c.4452C>T on transcript NM_004380.3 (MANE Select); coding-DNA position 4452, C replaced by T.
Protein change: p.Phe1484=; no amino-acid change (phenylalanine 1484 retained).
Molecular consequence: synonymous variant.
Genome position (GRCh38, 1-based): chr16:3,736,758, G>A on the plus strand (C>T on the coding strand, the complement: CREBBP is on the minus strand). VCF-style: chr16-3736758-G-A. GRCh37 (hg19) VCF-style: chr16-3786759-G-A.
Other names: c.4338C>T, p.Phe1446= (NM_001079846.1); c.4452C>T (NM_004380.2).
Identifiers: ClinVar variation 2888778 (VCV002888778.4), dbSNP rs749161149, ClinGen allele CA7869516.